The following is an entry in ClinVar:

NM_020738.4(KIDINS220):c.2585A>T (p.Asn862Ile)

Gene: KIDINS220 (kinase D interacting substrate 220; minus strand). Cytogenetic location: 2p25.1.
Variant type: single nucleotide variant.
Coding change: c.2585A>T on transcript NM_020738.4 (MANE Select); coding-DNA position 2585, A replaced by T.
Protein change: p.Asn862Ile; replaces asparagine 862 with isoleucine.
Molecular consequence: missense variant. On other transcripts: non-coding transcript variant (2).
Genome position (GRCh38, 1-based): chr2:8,778,925, T>A on the plus strand (A>T on the coding strand, the complement: KIDINS220 is on the minus strand). VCF-style: chr2-8778925-T-A. GRCh37 (hg19) VCF-style: chr2-8919055-T-A.
Other names: c.2588A>T, p.Asn863Ile (NM_001348729.2, NM_001348731.2, NM_001348734.2 and 3 more transcripts); c.2585A>T, p.Asn862Ile (NM_001348732.2, NM_001348735.2, NM_001348738.2 and 3 more transcripts); c.2459A>T, p.Asn820Ile (NM_001348736.2); short protein forms N820I, N862I, N863I.
Identifiers: ClinVar variation 1719633 (VCV001719633.5), dbSNP rs769488189, ClinGen allele CA1519945.

ClinVar aggregate classification (germline): Uncertain significance (1 of 4 stars; one submission).

Allele frequency attached by ClinVar (database versions not stated): gnomAD exomes below 0.00001; ExAC 0.00001.
gnomAD v4.1: 1 of 1,614,204 alleles (0.000062%); highest among the groups gnomAD compares: Non-Finnish European, 0.000085%; no homozygotes.

Submission:

Labcorp Genetics (formerly Invitae), Labcorp
Classification: Uncertain significance. Last evaluated: 2022-09-17. Review status: criteria provided, single submitter. Criteria: Invitae Variant Classification Sherloc (09022015). Collection method: clinical testing. Allele origin: germline.
Comment: This sequence change replaces asparagine, which is neutral and polar, with isoleucine, which is neutral and non-polar, at codon 862 of the KIDINS220 protein (p.Asn862Ile). This variant is present in population databases (rs769488189, gnomAD 0.0009%). This variant has not been reported in the literature in individuals affected with KIDINS220-related conditions. Algorithms developed to predict the effect of missense changes on protein structure and function are either unavailable or do not agree on the potential impact of this missense change (SIFT: "Deleterious"; PolyPhen-2: "Probably Damaging"; Align-GVGD: "Class C0"). In summary, the available evidence is currently insufficient to determine the role of this variant in disease. Therefore, it has been classified as a Variant of Uncertain Significance.